The following is an entry in ClinVar:

NM_001039.4(SCNN1G):c.1777A>G (p.Asn593Asp)

Gene: SCNN1G (sodium channel epithelial 1 subunit gamma; plus strand). Cytogenetic location: 16p12.2.
Variant type: single nucleotide variant.
Coding change: c.1777A>G on transcript NM_001039.4 (MANE Select); coding-DNA position 1777, A replaced by G.
Protein change: p.Asn593Asp; replaces asparagine 593 with aspartic acid.
Molecular consequence: missense variant.
Genome position (GRCh38, 1-based): chr16:23,215,296, A>G. VCF-style: chr16-23215296-A-G. GRCh37 (hg19) VCF-style: chr16-23226617-A-G.
Other names: short protein forms N593D.
Identifiers: ClinVar variation 4885902 (VCV004885902.2).
Genomic context (GRCh38, chr16:23,215,296, plus strand): 5'-TGGGCCTGGAAACAGGCTCCCCCATGTCCAGAAGCTCCCCGTAGCCCACAGGGCCAGGAC[A>G]ATCCAGCCCTGGATATAGACGATGACCTACCCACTTTCAACTCTGCTTTGCACCTGCCTC-3'
Protein context (NP_001030.2, residues 583-603): EAPRSPQGQD[Asn593Asp]PALDIDDDLP

ClinVar aggregate classification (germline): Uncertain significance (1 of 4 stars; one submission).

gnomAD v4.1: 9 of 1,614,142 alleles (0.00056%); highest among the groups gnomAD compares: Non-Finnish European, 0.00076%; no homozygotes.

Submission:

Dasa
Classification: Uncertain significance. Last evaluated: 2025-09-29. Review status: criteria provided, single submitter. Criteria: DASA Assertion Criteria. Collection method: clinical testing. Allele origin: germline.
Comment: NM_001039.4(SCNN1G):c.1777A>G (p.Asn593Asp) is a missense variant that results in the substitution of asparagine with aspartic acid. This variant is rare in population databases. The currently available literature and clinical evidence are not sufficient to establish a definitive association between this variant and the reported condition. Therefore, this variant is classified as a variant of uncertain significance.